The following is an entry in ClinVar:

NM_020198.3(CCDC47):c.1211_1232dup (p.Ala411_Arg412insLysSerArgTer)

Gene: CCDC47 (coiled-coil domain containing 47; minus strand). Cytogenetic location: 17q23.3.
Variant type: Duplication.
Coding change: c.1211_1232dup on transcript NM_020198.3 (MANE Select); coding-DNA positions 1211 to 1232, 22 bases duplicated (AAAAAGCAGATAAGAACCGTGC).
Protein change: p.Ala411_Arg412insLysSerArgTer.
Molecular consequence: nonsense, inframe insertion.
Genome position (GRCh38, 1-based): chr17:63,752,079-63,752,100, GCACGGTTCTTATCTGCTTTTT duplicated on the plus strand (AAAAAGCAGATAAGAACCGTGC on the coding strand, the reverse complement: CCDC47 is on the minus strand); duplicating any 22 consecutive bases within chr17:63,752,079-63,752,101 gives the same sequence; the c. name uses the placement nearest the transcript's 3' end. VCF-style (leftmost placement, unchanged base first): chr17-63752078-G-GGCACGGTTCTTATCTGCTTTTT. GRCh37 (hg19) VCF-style: chr17-61829438-G-GGCACGGTTCTTATCTGCTTTTT.
Identifiers: ClinVar variation 1526240 (VCV001526240.1), dbSNP rs763844532, ClinGen allele CA8703666.

ClinVar aggregate classification (germline): Likely pathogenic (1 of 4 stars; one submission).

Conditions:
Trichohepatoneurodevelopmental syndrome (THNS). Identifiers: MedGen C4748898, MONDO:0032645, OMIM 618268.

Submission:

3billion
Classification: Likely pathogenic for Trichohepatoneurodevelopmental syndrome. Last evaluated: 2022-03-22. Review status: criteria provided, single submitter. Criteria: ACMG Guidelines, 2015. Collection method: clinical testing. Allele origin: germline. Affected: yes. Observed: 1 heterozygote.
Comment: Stop-gained (nonsense): predicted to result in a loss or disruption of normal protein function through nonsense-mediated decay (NMD) or protein truncation. Multiple pathogenic variants are reported downstream of the variant. It is observed at an extremely low frequency in the gnomAD v2.1.1 dataset (total allele frequency:0.0000040). Therefore, this variant is classified as likely pathogenic according to the recommendation of ACMG/AMP guideline.